The following is an entry in ClinVar:

NM_003590.5(CUL3):c.1429A>C (p.Met477Leu)

Gene: CUL3 (cullin 3; minus strand). Cytogenetic location: 2q36.2.
Variant type: single nucleotide variant.
Coding change: c.1429A>C on transcript NM_003590.5 (MANE Select); coding-DNA position 1429, A replaced by C.
Protein change: p.Met477Leu; replaces methionine 477 with leucine.
Molecular consequence: missense variant.
Genome position (GRCh38, 1-based): chr2:224,503,021, T>G on the plus strand (A>C on the coding strand, the complement: CUL3 is on the minus strand). VCF-style: chr2-224503021-T-G. GRCh37 (hg19) VCF-style: chr2-225367738-T-G.
Other names: c.1231A>C, p.Met411Leu (NM_001257197.2); c.1447A>C, p.Met483Leu (NM_001257198.2); short protein forms M411L, M477L, M483L.
Identifiers: ClinVar variation 4845467 (VCV004845467.1).
Genomic context (GRCh38, chr2:224,503,021, plus strand): 5'-TTACACCAGTTGCCTGTAGATGTTGCCTGAATTCATCCATCGTTGTGTTTGAGATGCTCA[T>G]ATCCCTAAACATTCCTTCCAGTTTTGACGTGAACTGACATCCACATTCAGTCTGTGGAGG-3'
Protein context (NP_003581.1, residues 467-487): TSKLEGMFRD[Met477Leu]SISNTTMDEF

ClinVar aggregate classification (germline): Uncertain significance (1 of 4 stars; one submission).

gnomAD v4.1: 1 of 1,614,072 alleles (0.000062%); highest among the groups gnomAD compares: Non-Finnish European, 0.000085%; no homozygotes.

Submission:

Greenwood Genetic Center Diagnostic Laboratories, Greenwood Genetic Center
Classification: Uncertain significance. Last evaluated: 2025-11-17. Review status: criteria provided, single submitter. Criteria: ACMG Guidelines, 2015. Collection method: clinical testing. Allele origin: germline. Affected: yes.
Comment: PM2, PP2